The following is an entry in ClinVar:

NM_017534.6(MYH2):c.4663-1G>C

Genes: MYHAS (myosin heavy chain gene cluster antisense RNA; plus strand), MYH2 (myosin heavy chain 2; minus strand), LOC126862500 (BRD4-independent group 4 enhancer GRCh37_chr17:10427829-10429028; plus strand). Cytogenetic location: 17p13.1.
Variant type: single nucleotide variant.
Coding change: c.4663-1G>C on transcript NM_017534.6 (MANE Select); the canonical splice acceptor site of the intron before coding-DNA position 4663, G replaced by C.
Molecular consequence: splice acceptor variant.
Genome position (GRCh38, 1-based): chr17:10,525,066, C>G on the plus strand (G>C on the coding strand, the complement: MYH2 is on the minus strand). VCF-style: chr17-10525066-C-G. GRCh37 (hg19) VCF-style: chr17-10428383-C-G.
Other names: c.4663-1G>C (NM_001100112.2).
Identifiers: ClinVar variation 1984922 (VCV001984922.4), dbSNP rs973700825, ClinGen allele CA287736839.
Genomic context (GRCh38, chr17:10,525,066, plus strand): 5'-GACTTGGTTCAACTCAAGCTGGATGCGCAGGATCTTTCCCTCTTCATGTTCAAGAGATGC[C>G]TTAATGACAGCAAGAGGTGACATTAGCAAGGAACCAAAAGCTTTATGAAGTTTTTCTGCA-3'

ClinVar aggregate classification (germline): Likely pathogenic (1 of 4 stars; one submission).

Conditions:
Myopathy, proximal, and ophthalmoplegia (CMYO6). Also called: MYOPATHY WITH CONGENITAL JOINT CONTRACTURES, OPHTHALMOPLEGIA, AND RIMMED VACUOLES; INCLUSION BODY MYOPATHY 3, AUTOSOMAL DOMINANT; CONGENITAL MYOPATHY 6 WITH OPHTHALMOPLEGIA. Identifiers: Orphanet 363677, Orphanet 79091, MedGen C1854106, MONDO:0011577, OMIM 605637.

Submission:

Labcorp Genetics (formerly Invitae), Labcorp
Classification: Likely pathogenic for Myopathy, proximal, and ophthalmoplegia. Last evaluated: 2023-02-22. Review status: criteria provided, single submitter. Criteria: Invitae Variant Classification Sherloc (09022015). Collection method: clinical testing. Allele origin: germline.
Comment: In summary, the currently available evidence indicates that the variant is pathogenic, but additional data are needed to prove that conclusively. Therefore, this variant has been classified as Likely Pathogenic. Algorithms developed to predict the effect of sequence changes on RNA splicing suggest that this variant may disrupt the consensus splice site. This variant has not been reported in the literature in individuals affected with MYH2-related conditions. This variant is not present in population databases (gnomAD no frequency). This sequence change affects an acceptor splice site in intron 33 of the MYH2 gene. It is expected to disrupt RNA splicing. Variants that disrupt the donor or acceptor splice site typically lead to a loss of protein function (PMID: 16199547), and loss-of-function variants in MYH2 are known to be pathogenic (PMID: 20418530, 23388406, 24193343).

Literature cited by the submitters: PubMed 16199547; PubMed 20418530; PubMed 23388406; PubMed 24193343.